The following is an entry in ClinVar:

NM_001042492.3(NF1):c.159G>C (p.Leu53Phe)

Gene: NF1 (neurofibromin 1; plus strand). Cytogenetic location: 17q11.2.
Variant type: single nucleotide variant.
Coding change: c.159G>C on transcript NM_001042492.3 (MANE Select); coding-DNA position 159, G replaced by C.
Protein change: p.Leu53Phe; replaces leucine 53 with phenylalanine.
Molecular consequence: missense variant.
Genome position (GRCh38, 1-based): chr17:31,156,081, G>C. VCF-style: chr17-31156081-G-C. GRCh37 (hg19) VCF-style: chr17-29483099-G-C.
Other names: c.159G>C, p.Leu53Phe (NM_000267.4, NM_001128147.3); short protein forms L53F.
Identifiers: ClinVar variation 1776104 (VCV001776104.2), dbSNP rs2065656906, ClinGen allele CA398988542.
Genomic context (GRCh38, chr17:31,156,081, plus strand): 5'-AGTCAGTACTGAGCACAACAAGGAATGTCTAATCAATATTTCCAAATACAAGTTTTCTTT[G>C]GTTATAAGCGGCCTCACTACTATTTTAAAGAATGTTAACAATATGGTGAGTATTTGGGTT-3'
Protein context (NP_001035957.1, residues 43-63): LINISKYKFS[Leu53Phe]VISGLTTILK

ClinVar aggregate classification (germline): Uncertain significance (1 of 4 stars; one submission).

Conditions:
Cardiovascular phenotype. Identifiers: MedGen CN230736.
Hereditary cancer-predisposing syndrome. Also called: Neoplastic Syndromes, Hereditary; Tumor predisposition; Hereditary Cancer Syndrome; Hereditary neoplastic syndrome. Identifiers: Orphanet 140162, MedGen C0027672, MeSH D009386, MONDO:0015356.

Submission:

Ambry Genetics
Classification: Uncertain significance for Cardiovascular phenotype; Hereditary cancer-predisposing syndrome. Last evaluated: 2022-03-21. Review status: criteria provided, single submitter. Criteria: Ambry Variant Classification Scheme 2023. Collection method: clinical testing. Allele origin: germline.
Comment: The p.L53F variant (also known as c.159G>C), located in coding exon 2 of the NF1 gene, results from a G to C substitution at nucleotide position 159. The leucine at codon 53 is replaced by phenylalanine, an amino acid with highly similar properties. This amino acid position is highly conserved in available vertebrate species. In addition, the in silico prediction for this alteration is inconclusive. Since supporting evidence is limited at this time, the clinical significance of this alteration remains unclear.